The following is an entry in ClinVar:

ClinVar aggregate classification (germline): Uncertain significance (1 of 4 stars; one submission).

Submission:

Labcorp Genetics (formerly Invitae), Labcorp
Classification: Uncertain significance. Last evaluated: 2019-05-02. Review status: criteria provided, single submitter. Criteria: Invitae Variant Classification Sherloc (09022015). Collection method: clinical testing. Allele origin: germline.
Comment: This variant has not been reported in the literature in individuals with PTDSS1-related conditions. This variant is not present in population databases (ExAC no frequency). This variant, c.786_788dup, results in the insertion of 1 amino acid(s) to the PTDSS1 protein (p.Ala263dup), but otherwise preserves the integrity of the reading frame. In summary, the available evidence is currently insufficient to determine the role of this variant in disease. Therefore, it has been classified as a Variant of Uncertain Significance.

NM_014754.3(PTDSS1):c.786_788dup (p.Ala263dup)

Gene: PTDSS1 (phosphatidylserine synthase 1; plus strand). Cytogenetic location: 8q22.1.
Variant type: Duplication.
Coding change: c.786_788dup on transcript NM_014754.3 (MANE Select); coding-DNA positions 786 to 788, 3 bases duplicated (AGC; older notation c.786_788dupAGC).
Protein change: p.Ala263dup; duplicates alanine 263.
Molecular consequence: inframe insertion.
Genome position (GRCh38, 1-based): chr8:96,304,073-96,304,075, AGC duplicated. VCF-style (leftmost placement, unchanged base first): chr8-96304072-G-GAGC. GRCh37 (hg19) VCF-style: chr8-97316300-G-GAGC.
Other names: c.348_350dup, p.Ala117dup (NM_001290225.2).
Identifiers: ClinVar variation 946650 (VCV000946650.9), dbSNP rs1811090763, ClinGen allele CA1139660658.
Genomic context (GRCh38, chr8:96,304,072, plus strand): 5'-TTTCACTGGAGCCATTCTCTTCTTACAGGGACATTCATACCACCACCGGGAAGATCAAGA[G>GAGC]AGCTGTTCTGCAGTTCACTCCTGCTAGCTGGACCTATGTTCGATGGTTTGACCCCAAATC-3'